The following is an entry in ClinVar:

ClinVar aggregate classification (germline): Uncertain significance (1 of 4 stars; one submission).

gnomAD v4.1: 1 of 1,610,044 alleles (0.000062%); highest among the groups gnomAD compares: Non-Finnish European, 0.000085%; no homozygotes.

Submission:

CeGaT Center for Human Genetics Tuebingen
Classification: Uncertain significance. Last evaluated: 2023-07-01. Review status: criteria provided, single submitter. Criteria: CeGaT Center For Human Genetics Tuebingen Variant Classification Criteria Version 2. Collection method: clinical testing. Allele origin: germline. Affected: yes. Observed: 1 variant allele.
Comment: TSC2: PM2:Supporting, BP4

NM_000548.5(TSC2):c.4005+4A>T

Gene: TSC2 (TSC complex subunit 2; plus strand). Cytogenetic location: 16p13.3.
Variant type: single nucleotide variant.
Coding change: c.4005+4A>T on transcript NM_000548.5 (MANE Select); 4 bases into the intron after coding-DNA position 4005, A replaced by T.
Molecular consequence: intron variant.
Genome position (GRCh38, 1-based): chr16:2,083,820, A>T. VCF-style: chr16-2083820-A-T. GRCh37 (hg19) VCF-style: chr16-2133821-A-T.
Other names: c.2463+4A>T (NM_001406693.1, NM_001406692.1, NM_001406694.1); c.3897+4A>T (NM_001406667.1); c.3894+4A>T (NM_001406668.1); c.3405+4A>T (NM_001406680.1); c.3336+4A>T (NM_001406683.1, NM_001406682.1); c.3204+4A>T (NM_001406687.1, NM_001406688.1); c.2592+4A>T (NM_001406689.1); c.2532+4A>T (NM_001406690.1); and 26 more.
Identifiers: ClinVar variation 2645971 (VCV002645971.24), dbSNP rs1454470740, ClinGen allele CA2631117358.